The following is an entry in ClinVar:

NM_024675.4(PALB2):c.869del (p.Glu290fs)

Gene: PALB2 (partner and localizer of BRCA2; minus strand). Cytogenetic location: 16p12.2.
Variant type: Deletion.
Coding change: c.869del on transcript NM_024675.4 (MANE Select); coding-DNA position 869, one base deleted (A; older notation c.869delA).
Protein change: p.Glu290fs; shifts the reading frame from glutamic acid 290.
Molecular consequence: frameshift variant. On other transcripts: 5 prime UTR variant (8), intron variant (3).
Genome position (GRCh38, 1-based): chr16:23,635,677, T deleted on the plus strand (A on the coding strand, the reverse complement: PALB2 is on the minus strand). VCF-style (leftmost placement, unchanged base first): chr16-23635676-CT-C. GRCh37 (hg19) VCF-style: chr16-23646997-CT-C.
Other names: c.809del, p.Glu270fs (NM_001407296.1); c.869del, p.Glu290fs (NM_001407297.1, NM_001407298.1, NM_001407299.1 and 3 more transcripts); c.-17del (NM_001407304.1, NM_001407305.1, NM_001407306.1 and 5 more transcripts); c.48+5433del (NM_001407314.1); c.-104-5208del (NM_001407313.1, NM_001407312.1); short protein forms E270fs, E290fs.
Identifiers: ClinVar variation 2674161 (VCV002674161.1), dbSNP rs2506497326, ClinGen allele CA2695197530.

ClinVar aggregate classification (germline): Pathogenic (1 of 4 stars; one submission).

Conditions:
Familial cancer of breast. Also called: Hereditary breast cancer; BREAST CANCER, FAMILIAL; hereditary breast carcinoma. Identifiers: Orphanet 227535, MedGen C0346153, MONDO:0016419, OMIM 114480. Disease mechanism: loss of function.

Submission:

Myriad Genetics, Inc.
Classification: Pathogenic for Familial cancer of breast. Last evaluated: 2023-09-07. Review status: criteria provided, single submitter. Criteria: Myriad Autosomal Dominant, Autosomal Recessive and X-Linked Classification Criteria (2023). Collection method: clinical testing. Allele origin: unknown.
Comment: This variant is considered pathogenic. This variant creates a frameshift predicted to result in premature protein truncation.